The following is an entry in ClinVar:

ClinVar aggregate classification (germline): Pathogenic (1 of 4 stars; one submission).

Submission:

Labcorp Genetics (formerly Invitae), Labcorp
Classification: Pathogenic. Last evaluated: 2025-05-24. Review status: criteria provided, single submitter. Criteria: Invitae Variant Classification Sherloc (09022015). Collection method: clinical testing. Allele origin: germline.
Comment: This sequence change creates a premature translational stop signal (p.Ile2582Serfs*34) in the ASPM gene. It is expected to result in an absent or disrupted protein product. Loss-of-function variants in ASPM are known to be pathogenic (PMID: 19028728, 23611254). This variant is present in population databases (rs757439389, gnomAD 0.01%). This premature translational stop signal has been observed in individual(s) with primary microcephaly (PMID: 29243349). For these reasons, this variant has been classified as Pathogenic.

Literature cited by the submitters: PubMed 19028728; PubMed 23611254; PubMed 29243349.

NM_018136.5(ASPM):c.7744del (p.Ile2582fs)

Gene: ASPM (assembly factor for spindle microtubules; minus strand). Cytogenetic location: 1q31.3.
Variant type: Deletion.
Coding change: c.7744del on transcript NM_018136.5 (MANE Select); coding-DNA position 7744, one base deleted (A; older notation c.7744delA).
Protein change: p.Ile2582fs; shifts the reading frame from isoleucine 2582.
Molecular consequence: frameshift variant. On other transcripts: intron variant (1).
Genome position (GRCh38, 1-based): chr1:197,101,507, T deleted on the plus strand (A on the coding strand, the reverse complement: ASPM is on the minus strand); the first of 5 consecutive T bases (chr1:197,101,507-197,101,511); deleting any one gives the same sequence. VCF-style (leftmost placement, unchanged base first): chr1-197101506-AT-A. GRCh37 (hg19) VCF-style: chr1-197070636-AT-A.
Other names: c.4066-5343del (NM_001206846.2); short protein forms I2582fs.
Identifiers: ClinVar variation 4737568 (VCV004737568.1).
Genomic context (GRCh38, chr1:197,101,506, plus strand): 5'-AGTTCATTGTGTTGAAATACTTTCTGTTTCTTTTTATTTGCTCTATATTTTTCTTGTATG[AT>A]TTTTGTAGCCCACTGAAGCTTTTGGTAGAAACAATACTGCCTATACATTCTGTAGGTGCT-3'